The following is an entry in ClinVar:

NM_020547.3(AMHR2):c.997G>T (p.Asp333Tyr)

Gene: AMHR2 (anti-Mullerian hormone receptor type 2; plus strand). Cytogenetic location: 12q13.13.
Variant type: single nucleotide variant.
Coding change: c.997G>T on transcript NM_020547.3 (MANE Select); coding-DNA position 997, G replaced by T.
Protein change: p.Asp333Tyr; replaces aspartic acid 333 with tyrosine.
Molecular consequence: missense variant.
Genome position (GRCh38, 1-based): chr12:53,429,482, G>T. VCF-style: chr12-53429482-G-T. GRCh37 (hg19) VCF-style: chr12-53823266-G-T.
Other names: c.997G>T, p.Asp333Tyr (NM_001164690.2, NM_001164691.2); short protein forms D333Y.
Identifiers: ClinVar variation 3338972 (VCV003338972.1).

ClinVar aggregate classification (germline): Uncertain significance (1 of 4 stars; one submission).

gnomAD v4.1: 4 of 1,613,620 alleles (0.00025%); highest among the groups gnomAD compares: Non-Finnish European, 0.00034%; no homozygotes.

Submission:

Women's Health and Genetics/Laboratory Corporation of America, LabCorp
Classification: Uncertain significance. Last evaluated: 2024-07-10. Review status: criteria provided, single submitter. Criteria: LabCorp Variant Classification Summary - May 2015. Collection method: clinical testing. Allele origin: germline.
Comment: Variant summary: AMHR2 c.997G>T (p.Asp333Tyr) results in a non-conservative amino acid change located in the protein kinase domain (IPR000719) of the encoded protein sequence. Five of five in-silico tools predict a damaging effect of the variant on protein function. The variant allele was found at a frequency of 1.2e-05 in 251066 control chromosomes. The available data on variant occurrences in the general population are insufficient to allow any conclusion about variant significance. c.997G>T has been reported in the literature in the heterozygous state in an individual affected with Persistent Mullerian duct syndrome (Picard_2017). This report does not provide unequivocal conclusions about association of the variant with Persistent Mullerian duct syndrome. To our knowledge, no experimental evidence demonstrating an impact on protein function has been reported. The following publication has been ascertained in the context of this evaluation (PMID: 28528332). No submitters have cited clinical-significance assessments for this variant to ClinVar. Based on the evidence outlined above, the variant was classified as uncertain significance.

Literature cited by the submitters: PubMed 28528332.